The following is an entry in ClinVar:

ClinVar aggregate classification (germline): Uncertain significance (1 of 4 stars; one submission).

Conditions:
Pitt-Hopkins-like syndrome 2 (PTHSL2). Identifiers: Orphanet 221150, Orphanet 600663, MedGen C3280479, MONDO:0013690, OMIM 614325.

gnomAD v4.1: 4 of 1,613,436 alleles (0.00025%); highest among the groups gnomAD compares: Non-Finnish European, 0.00034%; no homozygotes.

Submission:

Labcorp Genetics (formerly Invitae), Labcorp
Classification: Uncertain significance for Pitt-Hopkins-like syndrome 2. Last evaluated: 2024-08-27. Review status: criteria provided, single submitter. Criteria: Invitae Variant Classification Sherloc (09022015). Collection method: clinical testing. Allele origin: germline.
Comment: This sequence change replaces asparagine, which is neutral and polar, with aspartic acid, which is acidic and polar, at codon 370 of the NRXN1 protein (p.Asn370Asp). This variant is not present in population databases (gnomAD no frequency). This variant has not been reported in the literature in individuals affected with NRXN1-related conditions. An algorithm developed to predict the effect of missense changes on protein structure and function (PolyPhen-2) suggests that this variant is likely to be tolerated. In summary, the available evidence is currently insufficient to determine the role of this variant in disease. Therefore, it has been classified as a Variant of Uncertain Significance.

NM_001330078.2(NRXN1):c.1009A>G (p.Asn337Asp)

Gene: NRXN1 (neurexin 1; minus strand). Cytogenetic location: 2p16.3.
Variant type: single nucleotide variant.
Coding change: c.1009A>G on transcript NM_001330078.2 (MANE Select); coding-DNA position 1009, A replaced by G.
Protein change: p.Asn337Asp; replaces asparagine 337 with aspartic acid.
Molecular consequence: missense variant.
Genome position (GRCh38, 1-based): chr2:50,623,439, T>C on the plus strand (A>G on the coding strand, the complement: NRXN1 is on the minus strand). VCF-style: chr2-50623439-T-C. GRCh37 (hg19) VCF-style: chr2-50850577-T-C.
Other names: c.1108A>G, p.Asn370Asp (NM_001135659.3); c.1009A>G, p.Asn337Asp (NM_001330077.2, NM_001330082.2, NM_001330085.2 and 3 more transcripts); c.949A>G, p.Asn317Asp (NM_001330083.2, NM_001330084.2, NM_001330087.2 and 1 more transcripts); c.979A>G, p.Asn327Asp (NM_001330088.2); c.1006A>G, p.Asn336Asp (NM_001330093.2); c.997A>G, p.Asn333Asp (NM_001330094.2); short protein forms N370D, N333D, N317D, N327D, N336D, N337D.
Identifiers: ClinVar variation 2823226 (VCV002823226.3), dbSNP rs1411591330, ClinGen allele CA346822334.